The following is an entry in ClinVar:

ClinVar aggregate classification (germline): Uncertain significance (1 of 4 stars; one submission).

Conditions:
Developmental delay with or without dysmorphic facies and autism. Identifiers: MedGen C5193106, MONDO:0032760, OMIM 618454.

Submission:

Laboratorio de Genetica e Diagnostico Molecular, Hospital Israelita Albert Einstein
Classification: Uncertain significance for Developmental delay with or without dysmorphic facies and autism. Last evaluated: 2023-01-27. Review status: criteria provided, single submitter. Criteria: ACMG Guidelines, 2015. Collection method: clinical testing. Allele origin: germline. Affected: yes. Observed: 1 variant allele.
Comment: ACMG classification criteria: PM2 moderated, PP2 supporting, BP4 supporting

NM_001375524.1(TRRAP):c.5166C>A (p.Phe1722Leu)

Genes: TRRAP (transformation/transcription domain associated protein; plus strand), LOC126860121 (MED14-independent group 3 enhancer GRCh37_chr7:98547245-98548444; plus strand). Cytogenetic location: 7q22.1.
Variant type: single nucleotide variant.
Coding change: c.5166C>A on transcript NM_001375524.1 (MANE Select); coding-DNA position 5166, C replaced by A.
Protein change: p.Phe1722Leu; replaces phenylalanine 1722 with leucine.
Molecular consequence: missense variant.
Genome position (GRCh38, 1-based): chr7:98,950,094, C>A. VCF-style: chr7-98950094-C-A. GRCh37 (hg19) VCF-style: chr7-98547717-C-A.
Other names: c.5145C>A, p.Phe1715Leu (NM_001244580.2); c.5091C>A, p.Phe1697Leu (NM_003496.4); short protein forms F1697L, F1715L, F1722L.
Identifiers: ClinVar variation 2431844 (VCV002431844.1), dbSNP rs2484854724, ClinGen allele CA368316327.